The following is an entry in ClinVar:

ClinVar aggregate classification (germline): Uncertain significance. Review status: criteria provided, multiple submitters, no conflicts (2 of 4 stars). 4 submissions from 4 submitters: Uncertain significance (4). Last evaluated 2026-01-21.

Conditions:
Cancer or benign tumor. Also called: Cell proliferation disorder. Identifiers: MedGen CN377727, MONDO:0045024.
Hereditary cancer-predisposing syndrome. Also called: Hereditary Cancer Syndrome; Hereditary neoplastic syndrome; Neoplastic Syndromes, Hereditary; Tumor predisposition. Identifiers: Orphanet 140162, MedGen C0027672, MeSH D009386, MONDO:0015356.
Facial dysmorphism-immunodeficiency-livedo-short stature syndrome. Also called: Facial dysmorphism, immunodeficiency, livedo, and short stature; FILS syndrome. Identifiers: Orphanet 352712, MedGen C3554576, MONDO:0014058, OMIM 615139.
Colorectal cancer, susceptibility to, 12 (CRCS12). Also called: COLORECTAL CANCER, SUSCEPTIBILITY TO, ON CHROMOSOME 12q24. Identifiers: Orphanet 220460, MedGen C3554460, MONDO:0014038, OMIM 615083.
Intrauterine growth retardation, metaphyseal dysplasia, adrenal hypoplasia congenita, genital anomalies, and immunodeficiency. Also called: IMAGEI SYNDROME. Identifiers: MedGen C5193036, MONDO:0032684, OMIM 618336.

Allele frequency attached by ClinVar (database versions not stated): gnomAD 0.00003; TOPMed 0.00004; gnomAD exomes 0.00005; ExAC 0.00007.
gnomAD v4.1: 18 of 1,612,568 alleles (0.0011%); highest among the groups gnomAD compares: East Asian, 0.016%; no homozygotes.

Submissions (4):

Labcorp Genetics (formerly Invitae), Labcorp
Classification: Uncertain significance. Last evaluated: 2026-01-21. Review status: criteria provided, single submitter. Criteria: Invitae Variant Classification Sherloc (09022015). Collection method: clinical testing. Allele origin: germline.
Comment: This sequence change replaces arginine, which is basic and polar, with cysteine, which is neutral and slightly polar, at codon 2017 of the POLE protein (p.Arg2017Cys). This variant is present in population databases (rs115452769, gnomAD 0.06%). This variant has not been reported in the literature in individuals affected with POLE-related conditions. ClinVar contains an entry for this variant (Variation ID: 405805). Invitae Evidence Modeling of protein sequence and biophysical properties (such as structural, functional, and spatial information, amino acid conservation, physicochemical variation, residue mobility, and thermodynamic stability) indicates that this missense variant is not expected to disrupt POLE protein function with a negative predictive value of 80%. RNA analysis performed to evaluate the impact of this missense change on mRNA splicing indicates it does not significantly alter splicing (internal data). In summary, the available evidence is currently insufficient to determine the role of this variant in disease. Therefore, it has been classified as a Variant of Uncertain Significance.

Ambry Genetics
Classification: Uncertain significance for Hereditary cancer-predisposing syndrome. Last evaluated: 2024-12-17. Review status: criteria provided, single submitter. Criteria: Ambry Variant Classification Scheme 2023. Collection method: clinical testing. Allele origin: germline.
Comment: The p.R2017C variant (also known as c.6049C>T), located in coding exon 44 of the POLE gene, results from a C to T substitution at nucleotide position 6049. The arginine at codon 2017 is replaced by cysteine, an amino acid with highly dissimilar properties. This amino acid position is well conserved in available vertebrate species. In addition, the in silico prediction for this alteration is inconclusive. Based on the available evidence, the clinical significance of this variant remains unclear.

Fulgent Genetics
Classification: Uncertain significance for Colorectal cancer, susceptibility to, 12; Facial dysmorphism-immunodeficiency-livedo-short stature syndrome; Intrauterine growth retardation, metaphyseal dysplasia, adrenal hypoplasia congenita, genital anomalies, and immunodeficiency. Last evaluated: 2021-11-11. Review status: criteria provided, single submitter. Criteria: ACMG Guidelines, 2015. Collection method: clinical testing. Allele origin: unknown.

Cambridge Genomics Laboratory, East Genomic Laboratory Hub, NHS Genomic Medicine Service
Classification: Uncertain significance for Cancer or benign tumor. Last evaluated: 2020-01-10. Review status: criteria provided, single submitter. Criteria: ACGS Best Practice Guidelines for Variant Classification in Rare Disease 2020. Collection method: clinical testing. Allele origin: germline. Affected: yes. Observed: 1 variant allele.

NM_006231.4(POLE):c.6049C>T (p.Arg2017Cys)

Gene: POLE (DNA polymerase epsilon, catalytic subunit; minus strand). Cytogenetic location: 12q24.33.
Variant type: single nucleotide variant.
Coding change: c.6049C>T on transcript NM_006231.4 (MANE Select); coding-DNA position 6049, C replaced by T.
Protein change: p.Arg2017Cys; replaces arginine 2017 with cysteine.
Molecular consequence: missense variant.
Genome position (GRCh38, 1-based): chr12:132,632,751, G>A on the plus strand (C>T on the coding strand, the complement: POLE is on the minus strand). VCF-style: chr12-132632751-G-A. GRCh37 (hg19) VCF-style: chr12-133209337-G-A.
Other names: c.6049C>T (NM_006231.2); short protein forms R2017C.
Identifiers: ClinVar variation 405805 (VCV000405805.13), dbSNP rs115452769, ClinGen allele CA6892298.
Genomic context (GRCh38, chr12:132,632,751, plus strand): 5'-CCTCCTGGGAGAGCTGGCTGGCCCCCCTCCTCCTCACGGGGGTGCTCCCTGGAGCACTGC[G>A]CCTCAGCCCGTCCTTCATGCAGTGGTACACGGCCACGATGTACGCTGTGGAGAGGCACAC-3'
Protein context (NP_006222.2, residues 2007-2027): VYHCMKDGLR[Arg2017Cys]SAPGSTPVRR